The following is an entry in ClinVar:

ClinVar aggregate classification (germline): Pathogenic/Likely pathogenic. Review status: criteria provided, multiple submitters, no conflicts (2 of 4 stars). 2 submissions from 2 submitters: Pathogenic (1); Likely pathogenic (1). Last evaluated 2025-01-29.

Conditions:
ALG6-congenital disorder of glycosylation 1C (CDG1C). Also called: CDG Ic; Congenital disorder of glycosylation type 1C; Congenital disorder of glycosylation, type Ic; CARBOHYDRATE-DEFICIENT GLYCOPROTEIN SYNDROME, TYPE I, WITH DEFICIENT GLYCOSYLATION OF DOLICHOL-LINKED OLIGOSACCHARIDE; CARBOHYDRATE-DEFICIENT GLYCOPROTEIN SYNDROME, TYPE V. Identifiers: Orphanet 79320, MedGen C2930997, MONDO:0011291, OMIM 603147.

Submissions (2):

Natera, Inc.
Classification: Likely pathogenic for Congenital disorder of glycosylation type 1c. Last evaluated: 2025-01-29. Review status: criteria provided, single submitter. Criteria: Natera Variant Classification Schema (03/2026). Collection method: clinical testing. Allele origin: germline.
Comment: The c.663dup variant in ALG6 is a frameshift variant predicted to shift the reading frame beginning at codon 222 and leads to a stop codon 12 codons downstream. This variant is expected to result in nonsense mediated decay, truncation, or a dysfunctional protein product. This variant is rare in the general population with a frequency below the threshold expected for the associated phenotype(s). Given the available evidence, this variant is classified as Likely Pathogenic.

Labcorp Genetics (formerly Invitae), Labcorp
Classification: Pathogenic for ALG6-congenital disorder of glycosylation 1C. Last evaluated: 2022-03-28. Review status: criteria provided, single submitter. Criteria: Invitae Variant Classification Sherloc (09022015). Collection method: clinical testing. Allele origin: germline.
Comment: For these reasons, this variant has been classified as Pathogenic. This variant has not been reported in the literature in individuals affected with ALG6-related conditions. This variant is not present in population databases (gnomAD no frequency). This sequence change creates a premature translational stop signal (p.Gly222Argfs*12) in the ALG6 gene. It is expected to result in an absent or disrupted protein product. Loss-of-function variants in ALG6 are known to be pathogenic (PMID: 19862844).

Literature cited by the submitters: PubMed 19862844 (cited by Labcorp Genetics (formerly Invitae), Labcorp).

NM_013339.4(ALG6):c.663dup (p.Gly222fs)

Gene: ALG6 (ALG6 alpha-1,3-glucosyltransferase; plus strand). Cytogenetic location: 1p31.3.
Variant type: Duplication.
Coding change: c.663dup on transcript NM_013339.4 (MANE Select); coding-DNA position 663, one base duplicated (A; older notation c.663dupA).
Protein change: p.Gly222fs; shifts the reading frame from glycine 222.
Molecular consequence: frameshift variant.
Genome position (GRCh38, 1-based): chr1:63,411,314, A duplicated; the last of 6 consecutive A bases (chr1:63,411,309-63,411,314); duplicating any one gives the same sequence. VCF-style (leftmost placement, unchanged base first): chr1-63411308-T-TA. GRCh37 (hg19) VCF-style: chr1-63876979-T-TA.
Other names: c.663dup (NM_013339.3); short protein forms G222fs.
Identifiers: ClinVar variation 2118725 (VCV002118725.6), dbSNP rs964851138, ClinGen allele CA737739046.